The following is an entry in ClinVar:

ClinVar aggregate classification (germline): Pathogenic. Review status: criteria provided, multiple submitters, no conflicts (2 of 4 stars). 5 submissions from 5 submitters: Pathogenic (4). 1 of the submissions does not count toward it. Last evaluated 2025-12-16.

Conditions:
ADGRV1-related disorder. Also called: ADGRV1-related condition; ADGRV1-related disorders.
Usher syndrome type 2C. Also called: Usher syndrome, type 2B; USHER SYNDROME, TYPE IIC. Identifiers: Orphanet 231178, Orphanet 886, MedGen C2931213, MONDO:0011558, OMIM 605472.
Retinal disorder. Also called: Retinopathy; Retinal disorders; Retinopathies; Retinal Diseases. Identifiers: MedGen C0035309, MONDO:0005283, HP:0000488.

Submissions (5):

Genetics Laboratory, Great Ormond Street Hospital NHS Foundation Trust, North Thames Genomic Laboratory Hub
Classification: Pathogenic for Retinal disorders. Last evaluated: 2025-12-16. Review status: criteria provided, single submitter. Criteria: ACGS Best Practice Guidelines for Variant Classification in Rare Disease 2024 v1.2. Collection method: clinical testing. Allele origin: germline. Affected: yes.
Comment: PM2_moderate, PVS1_very-strong, PM3_supporting

Victorian Clinical Genetics Services, Murdoch Childrens Research Institute
Classification: Pathogenic for Usher syndrome type 2C. Last evaluated: 2024-12-17. Review status: criteria provided, single submitter. Criteria: ACMG Guidelines, 2015. Collection method: clinical testing. Allele origin: germline.
Comment: This variant is classified as Pathogenic. Evidence in support of pathogenic classification: Variant is predicted to cause nonsense-mediated decay (NMD) and loss of protein (premature termination codon is located at least 54 nucleotides upstream of the final exon-exon junction); Variant is present in gnomAD (v2) <0.01 for a recessive condition (4 heterozygotes, 0 homozygotes); This variant has strong previous evidence of pathogenicity in unrelated individuals. This variant has been reported as compound heterozygous in multiple individuals with Usher syndrome type 2C (PMID: 34148116, 19357117, 22135276, 23767834); Other NMD-predicted variants comparable to the one identified in this case have very strong previous evidence for pathogenicity (ClinVar). Additional information: This variant is heterozygous; This gene is associated with autosomal recessive disease. The association between monoallelic variants and familial febrile seizures (MIM#604352) has not been established (PanelApp Australia); No published segregation evidence has been identified for this variant; No published functional evidence has been identified for this variant; Loss of function is a known mechanism of disease in this gene and is associated with Usher syndrome, type 2C (MIM#605472).

Labcorp Genetics (formerly Invitae), Labcorp
Classification: Pathogenic. Last evaluated: 2024-02-14. Review status: criteria provided, single submitter. Criteria: Invitae Variant Classification Sherloc (09022015). Collection method: clinical testing. Allele origin: germline.
Comment: This sequence change creates a premature translational stop signal (p.Val3363Aspfs*11) in the ADGRV1 gene. It is expected to result in an absent or disrupted protein product. Loss-of-function variants in ADGRV1 are known to be pathogenic (PMID: 19357117, 22135276, 22147658, 26226137, 30718709, 31047384, 32467589). This variant is present in population databases (no rsID available, gnomAD 0.004%). This premature translational stop signal has been observed in individual(s) with Usher syndrome (PMID: 19357117). This variant is also known as c.10085_10088delAAGT. ClinVar contains an entry for this variant (Variation ID: 866776). For these reasons, this variant has been classified as Pathogenic.

Blueprint Genetics
Classification: Pathogenic for ADGRV1-related disorders. Last evaluated: 2024-01-03. Review status: criteria provided, single submitter. Criteria: ACMG Guidelines, 2015. Collection method: clinical testing. Allele origin: germline. Affected: yes. Observed: 5 variant alleles.

PreventionGenetics, part of Exact Sciences
Classification: Likely pathogenic for ADGRV1-related condition. Last evaluated: 2024-05-31. Review status: no assertion criteria provided. Collection method: clinical testing. Allele origin: germline. Not counted in ClinVar's aggregate classification.
Comment: The ADGRV1 c.10088_10091delTAAG variant is predicted to result in a frameshift and premature protein termination (p.Val3363Aspfs*11). This variant has been reported in the compound heterozygous state in an individual with Usher syndrome type 2 (referred to with the alternate nomenclature of GPR98 c.10085_10088delAAGT in Ebermann et al. 2009. PubMed ID: 19357117). This variant is reported in 0.0036% of alleles in individuals of European (Non-Finnish) descent in gnomAD. Frameshift variants in ADGRV1 are expected to be pathogenic and therefore we interpret c.10088_10091del (p.Val3363Aspfs*11) as likely pathogenic.

Literature cited by the submitters: PubMed 22135276 (cited by Victorian Clinical Genetics Services, Murdoch Childrens Research Institute and Labcorp Genetics (formerly Invitae), Labcorp); PubMed 19357117 (cited by Victorian Clinical Genetics Services, Murdoch Childrens Research Institute and Labcorp Genetics (formerly Invitae), Labcorp); PubMed 23767834 (cited by Victorian Clinical Genetics Services, Murdoch Childrens Research Institute); PubMed 34148116 (cited by Victorian Clinical Genetics Services, Murdoch Childrens Research Institute); PubMed 22147658 (cited by Labcorp Genetics (formerly Invitae), Labcorp); PubMed 26226137 (cited by Labcorp Genetics (formerly Invitae), Labcorp); PubMed 30718709 (cited by Labcorp Genetics (formerly Invitae), Labcorp); PubMed 31047384 (cited by Labcorp Genetics (formerly Invitae), Labcorp); PubMed 32467589 (cited by Labcorp Genetics (formerly Invitae), Labcorp).

NM_032119.4(ADGRV1):c.10088_10091del (p.Val3363fs)

Gene: ADGRV1 (adhesion G protein-coupled receptor V1; plus strand). Cytogenetic location: 5q14.3.
Variant type: Deletion.
Coding change: c.10088_10091del on transcript NM_032119.4 (MANE Select); coding-DNA positions 10088 to 10091, 4 bases deleted (TAAG; older notation c.10088_10091delTAAG).
Protein change: p.Val3363fs; shifts the reading frame from valine 3363.
Molecular consequence: frameshift variant. On other transcripts: non-coding transcript variant (1).
Genome position (GRCh38, 1-based): chr5:90,725,583-90,725,586, TAAG deleted; deleting any 4 consecutive bases within chr5:90,725,580-90,725,586 gives the same sequence; the c. name uses the placement nearest the transcript's 3' end. VCF-style (leftmost placement, unchanged base first): chr5-90725579-CAAGT-C. GRCh37 (hg19) VCF-style: chr5-90021396-CAAGT-C.
Other names: c.10088_10091delTAAG (NM_032119.3); short protein forms V3363fs.
Identifiers: ClinVar variation 866776 (VCV000866776.12), dbSNP rs1292664749, ClinGen allele CA560901668.
Genomic context (GRCh38, chr5:90,725,579, plus strand): 5'-TAAGTTTTCATTCCCACTCTGTCCTTGCAGGTACAAACAATCATTATTCTGGAAAGTTCT[CAAGT>C]AAGATATTTTACTTCAGACAGCCAAGATTATTTAATCATTGCAAGTCAAAGAGATGATTC-3'